The following is an entry in ClinVar:

ClinVar aggregate classification (germline): Uncertain significance (1 of 4 stars; one submission).

Allele frequency attached by ClinVar (database versions not stated): gnomAD 0.00001.
gnomAD v4.1: 3 of 1,613,104 alleles (0.00019%); highest among the groups gnomAD compares: African/African-American, 0.004%; no homozygotes.

Submission:

Labcorp Genetics (formerly Invitae), Labcorp
Classification: Uncertain significance. Last evaluated: 2022-02-03. Review status: criteria provided, single submitter. Criteria: Invitae Variant Classification Sherloc (09022015). Collection method: clinical testing. Allele origin: germline.
Comment: This sequence change replaces histidine, which is basic and polar, with arginine, which is basic and polar, at codon 222 of the ADAMTSL4 protein (p.His222Arg). This variant is not present in population databases (gnomAD no frequency). This variant has not been reported in the literature in individuals affected with ADAMTSL4-related conditions. Algorithms developed to predict the effect of missense changes on protein structure and function output the following: SIFT: "Tolerated"; PolyPhen-2: "Benign"; Align-GVGD: "Class C0". The arginine amino acid residue is found in multiple mammalian species, which suggests that this missense change does not adversely affect protein function. In summary, the available evidence is currently insufficient to determine the role of this variant in disease. Therefore, it has been classified as a Variant of Uncertain Significance.

NM_019032.6(ADAMTSL4):c.665A>G (p.His222Arg)

Genes: ADAMTSL4 (ADAMTS like 4; plus strand), ADAMTSL4-AS2 (ADAMTSL4 antisense RNA 2; minus strand). Cytogenetic location: 1q21.2.
Variant type: single nucleotide variant.
Coding change: c.665A>G on transcript NM_019032.6 (MANE Select); coding-DNA position 665, A replaced by G.
Protein change: p.His222Arg; replaces histidine 222 with arginine.
Molecular consequence: missense variant.
Genome position (GRCh38, 1-based): chr1:150,553,656, A>G. VCF-style: chr1-150553656-A-G. GRCh37 (hg19) VCF-style: chr1-150526132-A-G.
Other names: c.665A>G, p.His222Arg (NM_001288607.2, NM_001288608.2, NM_001378596.1 and 1 more transcripts); short protein forms H222R.
Identifiers: ClinVar variation 1962479 (VCV001962479.5), dbSNP rs747366202, ClinGen allele CA342301663.